The following is an entry in ClinVar:

NM_004380.3(CREBBP):c.436G>A (p.Ala146Thr)

Gene: CREBBP (CREB binding lysine acetyltransferase; minus strand). Cytogenetic location: 16p13.3.
Variant type: single nucleotide variant.
Coding change: c.436G>A on transcript NM_004380.3 (MANE Select); coding-DNA position 436, G replaced by A.
Protein change: p.Ala146Thr; replaces alanine 146 with threonine.
Molecular consequence: missense variant.
Genome position (GRCh38, 1-based): chr16:3,850,659, C>T on the plus strand (G>A on the coding strand, the complement: CREBBP is on the minus strand). VCF-style: chr16-3850659-C-T. GRCh37 (hg19) VCF-style: chr16-3900660-C-T.
Other names: c.436G>A, p.Ala146Thr (NM_001079846.1); c.436G>A (NM_004380.2); short protein forms A146T.
Identifiers: ClinVar variation 2146568 (VCV002146568.5), dbSNP rs371248444, ClinGen allele CA7870675.

ClinVar aggregate classification (germline): Likely benign. Review status: criteria provided, single submitter (1 of 4 stars). 2 submissions from 2 submitters: Likely benign (1). 1 of the submissions does not count toward it. Last evaluated 2025-11-20.

Conditions:
Rubinstein-Taybi syndrome (RSTS). Identifiers: Orphanet 783, MedGen C0035934, MONDO:0019188.
CREBBP-related disorder. Also called: CREBBP-related condition; CREBBP-related disorders.

Allele frequency attached by ClinVar (database versions not stated): ExAC 0.00002; gnomAD 0.00002; TOPMed 0.00002; ESP Exome Variant Server 0.00015.
gnomAD v4.1: 44 of 1,614,010 alleles (0.0027%); highest among the groups gnomAD compares: Admixed American, 0.005%; no homozygotes.

Submissions (2):

Labcorp Genetics (formerly Invitae), Labcorp
Classification: Likely benign for Rubinstein-Taybi syndrome. Last evaluated: 2025-11-20. Review status: criteria provided, single submitter. Criteria: Invitae Variant Classification Sherloc (09022015). Collection method: clinical testing. Allele origin: germline.

PreventionGenetics, part of Exact Sciences
Classification: Uncertain significance for CREBBP-related condition. Last evaluated: 2024-07-05. Review status: no assertion criteria provided. Collection method: clinical testing. Allele origin: germline. Not counted in ClinVar's aggregate classification.
Comment: The CREBBP c.436G>A variant is predicted to result in the amino acid substitution p.Ala146Thr. To our knowledge, this variant has not been reported in the literature. This variant is reported in 0.0046% of alleles in individuals of European (Finnish) descent in gnomAD, which is likely too frequent for a variant causing CREBBP-related disease. Although we suspect that this variant may be benign, at this time, the clinical significance of this variant is uncertain due to the absence of conclusive functional and genetic evidence.